The following is an entry in ClinVar:

ClinVar aggregate classification (germline): Likely benign (1 of 4 stars; one submission).

Allele frequency attached by ClinVar (database versions not stated): gnomAD 0.00002; gnomAD exomes 0.00004; TOPMed 0.00006; ExAC 0.00007; ESP Exome Variant Server 0.00008.
gnomAD v4.1: 54 of 1,613,930 alleles (0.0033%); highest among the groups gnomAD compares: East Asian, 0.076%; no homozygotes.

Submission:

CeGaT Center for Human Genetics Tuebingen
Classification: Likely benign. Last evaluated: 2023-01-01. Review status: criteria provided, single submitter. Criteria: CeGaT Center For Human Genetics Tuebingen Variant Classification Criteria Version 2. Collection method: clinical testing. Allele origin: germline. Affected: yes. Observed: 1 variant allele.
Comment: NR1D2: BP4, BP7

NM_005126.5(NR1D2):c.330G>A (p.Ala110=)

Gene: NR1D2 (nuclear receptor subfamily 1 group D member 2; plus strand). Cytogenetic location: 3p24.2.
Variant type: single nucleotide variant.
Coding change: c.330G>A on transcript NM_005126.5 (MANE Select); coding-DNA position 330, G replaced by A.
Protein change: p.Ala110=; no amino-acid change (alanine 110 retained).
Molecular consequence: synonymous variant. On other transcripts: non-coding transcript variant (1).
Genome position (GRCh38, 1-based): chr3:23,956,083, G>A. VCF-style: chr3-23956083-G-A. GRCh37 (hg19) VCF-style: chr3-23997574-G-A.
Other names: c.105G>A, p.Ala35= (NM_001145425.2).
Identifiers: ClinVar variation 2653627 (VCV002653627.24), dbSNP rs144648705, ClinGen allele CA2286709.